The following is an entry in ClinVar:

NM_003036.4(SKI):c.1059del (p.Ser354fs)

Gene: SKI (SKI proto-oncogene; plus strand). Cytogenetic location: 1p36.32.
Variant type: Deletion.
Coding change: c.1059del on transcript NM_003036.4 (MANE Select); coding-DNA position 1059, one base deleted (C; older notation c.1059delC).
Protein change: p.Ser354fs; shifts the reading frame from serine 354.
Molecular consequence: frameshift variant.
Genome position (GRCh38, 1-based): chr1:2,303,067, C deleted; the last of 2 consecutive C bases (chr1:2,303,066-2,303,067); deleting either gives the same sequence. VCF-style (leftmost placement, unchanged base first): chr1-2303065-TC-T. GRCh37 (hg19) VCF-style: chr1-2234504-TC-T.
Other names: short protein forms S354fs.
Identifiers: ClinVar variation 4975482 (VCV004975482.1).
Genomic context (GRCh38, chr1:2,303,065, plus strand): 5'-AGACCCAAAACAGATGACACCTCTTCCCAGTCCCCCGCGCCTTCCGAAAAGGACAAGCCG[TC>T]CAGCTGGCTGCGGACCTTGGCCGGCTCTTCCAATAAGGTGCTGTGGGGCCTGTCGGGGTC-3'

ClinVar aggregate classification (germline): Uncertain significance (1 of 4 stars; one submission).

Submission:

GeneDx
Classification: Uncertain significance. Last evaluated: 2026-01-28. Review status: criteria provided, single submitter. Criteria: GeneDx Variant Classification Process June 2021. Collection method: clinical testing. Allele origin: germline.
Comment: Frameshift variant predicted to result in protein truncation or nonsense mediated decay in a gene or region of a gene for which loss of function is not a well-established mechanism of disease; Not observed at significant frequency in large population cohorts (gnomAD); Has not been previously published as pathogenic or benign to our knowledge